The following is an entry in ClinVar:

NM_000206.3(IL2RG):c.924+1G>A

Gene: IL2RG (interleukin 2 receptor subunit gamma; minus strand). Cytogenetic location: Xq13.1.
Variant type: single nucleotide variant.
Coding change: c.924+1G>A on transcript NM_000206.3 (MANE Select); the canonical splice donor site of the intron after coding-DNA position 924, G replaced by A.
Molecular consequence: splice donor variant.
Genome position (GRCh38, 1-based): chrX:71,108,276, C>T on the plus strand (G>A on the coding strand, the complement: IL2RG is on the minus strand). VCF-style: chrX-71108276-C-T. GRCh37 (hg19) VCF-style: chrX-70328126-C-T.
Identifiers: ClinVar variation 280035 (VCV000280035.3), dbSNP rs886041333, ClinGen allele CA10603688.

ClinVar aggregate classification (germline): Pathogenic. Review status: reviewed by expert panel (3 of 4 stars). 2 submissions from 2 submitters: Pathogenic (1). 1 of the submissions does not count toward it. Last evaluated 2023-11-14.

Conditions:
X-linked severe combined immunodeficiency (SCIDX1). Also called: IMMUNODEFICIENCY 4; SCID, X-LINKED; SEVERE COMBINED IMMUNODEFICIENCY, X-LINKED, T CELL-NEGATIVE, B CELL-POSITIVE, NK CELL-NEGATIVE; T-B+ severe combined immunodeficiency due to gamma chain deficiency; X-Linked Combined Immunodeficiency Diseases. Identifiers: Orphanet 276, MedGen C6022468, MONDO:0010315, OMIM 300400. Disease mechanism: loss of function.

Submissions (2):

ClinGen Severe Combined Immunodeficiency Variant Curation Expert Panel, ClinGen
Classification: Pathogenic for X-linked severe combined immunodeficiency. Last evaluated: 2023-11-14. Review status: reviewed by expert panel. Criteria: ClinGen SCID ACMG Specifications IL2RG V1.0.0. Collection method: curation. Allele origin: germline. Inheritance: X-linked inheritance.
Comment: The NM_000206.3(IL2RG):c.924+1G>A variant disrupts of the canonical splice donor site in intron 7, which is predicted to cause skipping of exon 7 and a frameshift in exon 8 (the final exon) with a stop loss and elongation of the protein by 31 amino acids (p.Thr286Profs*57), causing alteration of the critical cytoplasmic domain (PVS1). PMID: 9058718 reported that in patient derived cells trace amounts of an abnormally large IL2RG mRNA was found with sequence continuing into the introns. This is highly specific for SCID due to gamma chain deficiency (PP4_moderate). This variant is absent from gnomAD v2.1.1 (PM2_Supporting). In summary, this variant meets the criteria to be classified as pathogenic for X-linked T-B+ severe combined immunodeficiency due to gamma chain deficiency based on the ACMG/AMP criteria applied, as specified by the ClinGen SCID VCEP. Criteria applied: PVS1, PM2_supporting, PP4_moderate. (VCEP specifications version 1).

GeneDx
Classification: Pathogenic. Last evaluated: 2018-01-29. Review status: criteria provided, single submitter. Criteria: GeneDx Variant Classification (06012015). Collection method: clinical testing. Allele origin: germline. Affected: yes. Not counted in ClinVar's aggregate classification.
Comment: The c.924+1 G>A splice site variant in the IL2RG gene has been previously reported in association with severe combined immunodeficiency (Puck et al., 1997). This pathogenic variant destroys the canonical splice donor site in intron 7, and is expected to cause abnormal gene splicing. In addition, the c.924+1 G>A variant is not observed in large population cohorts (Lek et al., 2016). Therefore, this variant is interpreted to be pathogenic.